The following is an entry in ClinVar:

NM_001854.4(COL11A1):c.688A>G (p.Lys230Glu)

Gene: COL11A1 (collagen type XI alpha 1 chain; minus strand). Cytogenetic location: 1p21.1.
Variant type: single nucleotide variant.
Coding change: c.688A>G on transcript NM_001854.4 (MANE Select); coding-DNA position 688, A replaced by G.
Protein change: p.Lys230Glu; replaces lysine 230 with glutamic acid.
Molecular consequence: missense variant. On other transcripts: non-coding transcript variant (1).
Genome position (GRCh38, 1-based): chr1:103,031,208, T>C on the plus strand (A>G on the coding strand, the complement: COL11A1 is on the minus strand). VCF-style: chr1-103031208-T-C. GRCh37 (hg19) VCF-style: chr1-103496764-T-C.
Other names: c.688A>G, p.Lys230Glu (NM_001168249.1, NM_001190709.2, NM_080629.3 and 1 more transcripts); short protein forms K230E.
Identifiers: ClinVar variation 2761381 (VCV002761381.3), dbSNP rs2525671624, ClinGen allele CA341159901.

ClinVar aggregate classification (germline): Uncertain significance (1 of 4 stars; one submission).

Allele frequency attached by ClinVar (database versions not stated): gnomAD exomes below 0.00001.
gnomAD v4.1: 1 of 1,608,250 alleles (0.000062%); highest among the groups gnomAD compares: East Asian, 0.0022%; no homozygotes.

Submission:

Labcorp Genetics (formerly Invitae), Labcorp
Classification: Uncertain significance. Last evaluated: 2023-11-27. Review status: criteria provided, single submitter. Criteria: Invitae Variant Classification Sherloc (09022015). Collection method: clinical testing. Allele origin: germline.
Comment: This sequence change replaces lysine, which is basic and polar, with glutamic acid, which is acidic and polar, at codon 230 of the COL11A1 protein (p.Lys230Glu). This variant is not present in population databases (gnomAD no frequency). This variant has not been reported in the literature in individuals affected with COL11A1-related conditions. Advanced modeling of protein sequence and biophysical properties (such as structural, functional, and spatial information, amino acid conservation, physicochemical variation, residue mobility, and thermodynamic stability) performed at Invitae indicates that this missense variant is not expected to disrupt COL11A1 protein function with a negative predictive value of 95%. In summary, the available evidence is currently insufficient to determine the role of this variant in disease. Therefore, it has been classified as a Variant of Uncertain Significance.